The following is an entry in ClinVar:

ClinVar aggregate classification (germline): Uncertain significance (1 of 4 stars; one submission).

Submission:

Labcorp Genetics (formerly Invitae), Labcorp
Classification: Uncertain significance. Last evaluated: 2022-11-11. Review status: criteria provided, single submitter. Criteria: Invitae Variant Classification Sherloc (09022015). Collection method: clinical testing. Allele origin: germline.
Comment: This sequence change replaces alanine, which is neutral and non-polar, with glutamic acid, which is acidic and polar, at codon 655 of the CTNNB1 protein (p.Ala655Glu). This variant is not present in population databases (gnomAD no frequency). This variant has not been reported in the literature in individuals affected with CTNNB1-related conditions. ClinVar contains an entry for this variant (Variation ID: 1035945). Advanced modeling of protein sequence and biophysical properties (such as structural, functional, and spatial information, amino acid conservation, physicochemical variation, residue mobility, and thermodynamic stability) performed at Invitae indicates that this missense variant is expected to disrupt CTNNB1 protein function. In summary, the available evidence is currently insufficient to determine the role of this variant in disease. Therefore, it has been classified as a Variant of Uncertain Significance.

NM_001904.4(CTNNB1):c.1964C>A (p.Ala655Glu)

Gene: CTNNB1 (catenin beta 1; plus strand). Cytogenetic location: 3p22.1.
Variant type: single nucleotide variant.
Coding change: c.1964C>A on transcript NM_001904.4 (MANE Select); coding-DNA position 1964, C replaced by A.
Protein change: p.Ala655Glu; replaces alanine 655 with glutamic acid.
Molecular consequence: missense variant.
Genome position (GRCh38, 1-based): chr3:41,236,597, C>A. VCF-style: chr3-41236597-C-A. GRCh37 (hg19) VCF-style: chr3-41278088-C-A.
Other names: c.1964C>A, p.Ala655Glu (NM_001098209.2, NM_001098210.2); c.1943C>A, p.Ala648Glu (NM_001330729.2); short protein forms A648E, A655E.
Identifiers: ClinVar variation 1035945 (VCV001035945.3), dbSNP rs2078441209, ClinGen allele CA352236445.